The following is an entry in ClinVar:

NM_000138.5(FBN1):c.2712_2716del (p.Lys904fs)

Gene: FBN1 (fibrillin 1; minus strand). Cytogenetic location: 15q21.1.
Variant type: Deletion.
Coding change: c.2712_2716del on transcript NM_000138.5 (MANE Select); coding-DNA positions 2712 to 2716, 5 bases deleted (AGGAA; older notation c.2712_2716delAGGAA).
Protein change: p.Lys904fs; shifts the reading frame from lysine 904.
Molecular consequence: frameshift variant.
Genome position (GRCh38, 1-based): chr15:48,494,216-48,494,220, TTCCT deleted on the plus strand (AGGAA on the coding strand, the reverse complement: FBN1 is on the minus strand); deleting any 5 consecutive bases within chr15:48,494,216-48,494,222 gives the same sequence; the c. name uses the placement nearest the transcript's 3' end. VCF-style (leftmost placement, unchanged base first): chr15-48494215-GTTCCT-G. GRCh37 (hg19) VCF-style: chr15-48786412-GTTCCT-G.
Other names: c.2712_2716delAGGAA (NM_000138.4); short protein forms K904fs.
Identifiers: ClinVar variation 200156 (VCV000200156.2), dbSNP rs794728304, ClinGen allele CA013383.

ClinVar aggregate classification (germline): Pathogenic (1 of 4 stars; one submission).

Submission:

GeneDx
Classification: Pathogenic. Last evaluated: 2017-12-06. Review status: criteria provided, single submitter. Criteria: GeneDx Variant Classification (06012015). Collection method: clinical testing. Allele origin: germline. Affected: yes.
Comment: The c.2712_2716delAGGAA pathogenic variant in the FBN1 gene has been reported as de novo in one individual with classical Marfan syndrome using alternate nomenclature, c.2710_2714delAAAGG (Stheneur et al., 2009). This variant causes a shift in reading frame starting at codon Lysine 904, changing it to an Asparagine, and creating a premature stop codon at position 4 of the new reading frame, denoted p.Lys904AsnfsX4. This variant is expected to result in either an abnormal, truncated protein product or loss of protein from this allele through nonsense-mediated mRNA decay. Other frameshift variants in the FBN1 gene have been reported in association with Marfan syndrome (Stenson et al., 2014). Finally, this variant is not observed in large population cohorts (Lek et al., 2016), indicating it is not a common benign variant.